The following is an entry in ClinVar:

ClinVar aggregate classification (germline): not provided (0 of 4 stars; one submission).

Allele frequency attached by ClinVar (database versions not stated): gnomAD exomes below 0.00001.
gnomAD v4.1: 5 of 1,613,906 alleles (0.00031%); highest among the groups gnomAD compares: Non-Finnish European, 0.00042%; no homozygotes.

Submission:

SNPedia
No classification provided. Review status: no classification provided. Collection method: not provided. Allele origin: germline.
Comment: Kufs Type A disease

NM_017882.3(CLN6):c.712T>A (p.Phe238Ile)

Gene: CLN6 (CLN6 transmembrane ER protein; minus strand). Cytogenetic location: 15q23.
Variant type: single nucleotide variant.
Coding change: c.712T>A on transcript NM_017882.3 (MANE Select); coding-DNA position 712, T replaced by A.
Protein change: p.Phe238Ile; replaces phenylalanine 238 with isoleucine.
Molecular consequence: missense variant.
Genome position (GRCh38, 1-based): chr15:68,208,364, A>T on the plus strand (T>A on the coding strand, the complement: CLN6 is on the minus strand). VCF-style: chr15-68208364-A-T. GRCh37 (hg19) VCF-style: chr15-68500702-A-T.
Other names: short protein forms F238I.
Identifiers: ClinVar variation 68097 (VCV000068097.1), dbSNP rs154774637, ClinGen allele CA284819.
Genomic context (GRCh38, chr15:68,208,364, plus strand): 5'-TGCTGTCCAGGAAGAGGCGCTTGCGCTTCTGGTGCAGGACGAGGGCCAGCATGGCGAAGA[A>T]GGTGAAGATGAAGAGGATGAAGATCTGGCCCTCGGTGACCAGGTACCTGGAAAGGCCAGG-3'
Protein context (NP_060352.1, residues 228-248): GQIFILFIFT[Phe238Ile]FAMLALVLHQ